The following is an entry in ClinVar:

NM_172232.4(ABCA5):c.3549G>A (p.Leu1183=)

Gene: ABCA5 (ATP binding cassette subfamily A member 5; minus strand). Cytogenetic location: 17q24.3.
Variant type: single nucleotide variant.
Coding change: c.3549G>A on transcript NM_172232.4 (MANE Select); coding-DNA position 3549, G replaced by A.
Protein change: p.Leu1183=; no amino-acid change (leucine 1183 retained).
Molecular consequence: synonymous variant.
Genome position (GRCh38, 1-based): chr17:69,261,140, C>T on the plus strand (G>A on the coding strand, the complement: ABCA5 is on the minus strand). VCF-style: chr17-69261140-C-T. GRCh37 (hg19) VCF-style: chr17-67257281-C-T.
Other names: c.3549G>A, p.Leu1183= (NM_018672.5).
Identifiers: ClinVar variation 3056659 (VCV003056659.2), dbSNP rs78349182, ClinGen allele CA8737009.
Genomic context (GRCh38, chr17:69,261,140, plus strand): 5'-TTTATTTTATGTTTTTTAACATATTAAAATATTTAGCAGAATTACCTTTATGAAAGAAAT[C>T]AGGCAACCTAGAAGTGGATAGATTGGAATGATGATACAAAAGGCATAATGAAGAATAGTT-3'
Protein context (NP_758424.1, residues 1173-1193): IIPIYPLLGC[Leu1183=]ISFIKISWKN

ClinVar aggregate classification (germline): Benign (0 of 4 stars; one submission).

Conditions:
ABCA5-related disorder. Also called: ABCA5-related condition.

Allele frequency attached by ClinVar (database versions not stated): 1000 Genomes Project 0.02995; 1000 Genomes Project 30x 0.03029; TOPMed 0.05567; ESP Exome Variant Server 0.06189.
gnomAD v4.1: 126,903 of 1,570,814 alleles (8.1%); highest among the groups gnomAD compares: Non-Finnish European, 9.4%; 5,820 homozygotes.

Submission:

PreventionGenetics, part of Exact Sciences
Classification: Benign for ABCA5-related condition. Last evaluated: 2019-05-08. Review status: no assertion criteria provided. Collection method: clinical testing. Allele origin: germline.
Comment: This variant is classified as benign based on ACMG/AMP sequence variant interpretation guidelines (Richards et al. 2015 PMID: 25741868, with internal and published modifications).